The following is an entry in ClinVar:

ClinVar aggregate classification (germline): Uncertain significance (1 of 4 stars; one submission).

Conditions:
Retinitis pigmentosa-juvenile cataract-short stature-intellectual disability syndrome. Also called: Retinal dystrophy, juvenile cataracts, and short stature syndrome. Identifiers: Orphanet 436245, MedGen C4015242, MONDO:0014495, OMIM 616108.

Allele frequency attached by ClinVar (database versions not stated): gnomAD 0.00001; TOPMed 0.00002.
gnomAD v4.1: 2 of 1,605,364 alleles (0.00012%); highest among the groups gnomAD compares: Non-Finnish European, 0.00017%; no homozygotes.

Submission:

Labcorp Genetics (formerly Invitae), Labcorp
Classification: Uncertain significance. Last evaluated: 2022-08-21. Review status: criteria provided, single submitter. Criteria: Invitae Variant Classification Sherloc (09022015). Collection method: clinical testing. Allele origin: germline.
Comment: This variant is not present in population databases (gnomAD no frequency). This sequence change replaces serine, which is neutral and polar, with asparagine, which is neutral and polar, at codon 285 of the RDH11 protein (p.Ser285Asn). This variant also falls at the last nucleotide of exon 6, which is part of the consensus splice site for this exon. This variant has not been reported in the literature in individuals affected with RDH11-related conditions. In summary, the available evidence is currently insufficient to determine the role of this variant in disease. Therefore, it has been classified as a Variant of Uncertain Significance. Variants that disrupt the consensus splice site are a relatively common cause of aberrant splicing (PMID: 17576681, 9536098). Algorithms developed to predict the effect of sequence changes on RNA splicing suggest that this variant may disrupt the consensus splice site. Algorithms developed to predict the effect of missense changes on protein structure and function are either unavailable or do not agree on the potential impact of this missense change (SIFT: "Tolerated"; PolyPhen-2: "Probably Damaging"; Align-GVGD: "Class C0"). ClinVar contains an entry for this variant (Variation ID: 1525683).

Literature cited by the submitters: PubMed 17576681 (cited by Labcorp Genetics (formerly Invitae), Labcorp); PubMed 9536098 (cited by Labcorp Genetics (formerly Invitae), Labcorp).

NM_016026.4(RDH11):c.854G>A (p.Ser285Asn)

Genes: GPHN (gephyrin; plus strand), RDH11 (retinol dehydrogenase 11; minus strand). Cytogenetic location: 14q24.1.
Variant type: single nucleotide variant.
Coding change: c.854G>A on transcript NM_016026.4 (MANE Select); coding-DNA position 854, G replaced by A.
Protein change: p.Ser285Asn; replaces serine 285 with asparagine.
Molecular consequence: missense variant.
Genome position (GRCh38, 1-based): chr14:67,685,015, C>T on the plus strand (G>A on the coding strand, the complement: RDH11 is on the minus strand). VCF-style: chr14-67685015-C-T. GRCh37 (hg19) VCF-style: chr14-68151732-C-T.
Other names: c.854G>A (NM_016026.3); c.644G>A, p.Ser215Asn (NM_001252650.2); short protein forms S215N, S285N.
Identifiers: ClinVar variation 1525683 (VCV001525683.9), dbSNP rs1019530676, ClinGen allele CA262792975.